The following is an entry in ClinVar:

ClinVar aggregate classification (germline): Uncertain significance (1 of 4 stars; one submission).

Conditions:
Inborn genetic diseases. Identifiers: MedGen C0950123, MeSH D030342.

Submission:

Ambry Genetics
Classification: Uncertain significance for Inborn genetic diseases. Last evaluated: 2023-10-08. Review status: criteria provided, single submitter. Criteria: Ambry Variant Classification Scheme 2023. Collection method: clinical testing. Allele origin: germline.
Comment: The p.D415A variant (also known as c.1244A>C), located in coding exon 9 of the EPAS1 gene, results from an A to C substitution at nucleotide position 1244. The aspartic acid at codon 415 is replaced by alanine, an amino acid with dissimilar properties. This amino acid position is conserved. In addition, the in silico prediction for this alteration is inconclusive. Since supporting evidence is limited at this time, the clinical significance of this alteration remains unclear.

NM_001430.5(EPAS1):c.1244A>C (p.Asp415Ala)

Gene: EPAS1 (endothelial PAS domain protein 1; plus strand). Cytogenetic location: 2p21.
Variant type: single nucleotide variant.
Coding change: c.1244A>C on transcript NM_001430.5 (MANE Select); coding-DNA position 1244, A replaced by C.
Protein change: p.Asp415Ala; replaces aspartic acid 415 with alanine.
Molecular consequence: missense variant.
Genome position (GRCh38, 1-based): chr2:46,376,748, A>C. VCF-style: chr2-46376748-A-C. GRCh37 (hg19) VCF-style: chr2-46603887-A-C.
Other names: short protein forms D415A.
Identifiers: ClinVar variation 1759039 (VCV001759039.2), dbSNP rs2546471777, ClinGen allele CA346703486.